The following is an entry in ClinVar:

ClinVar aggregate classification (germline): Uncertain significance. Review status: criteria provided, multiple submitters, no conflicts (2 of 4 stars). 3 submissions from 3 submitters: Uncertain significance (3). Last evaluated 2023-12-14.

Conditions:
Permanent neonatal diabetes mellitus-pancreatic and cerebellar agenesis syndrome. Also called: PANCREATIC AND CEREBELLAR AGENESIS. Identifiers: Orphanet 65288, MedGen C1836780, MONDO:0012192, OMIM 609069.
Inborn genetic diseases. Identifiers: MedGen C0950123, MeSH D030342.

Allele frequency attached by ClinVar (database versions not stated): ExAC below 0.00001; 1000 Genomes Project 30x 0.00016; 1000 Genomes Project 0.00020; TOPMed 0.00028; gnomAD 0.00029 and 0.00031; gnomAD exomes 0.00043 and 0.00073.

Submissions (3):

Ambry Genetics
Classification: Uncertain significance for Inborn genetic diseases. Last evaluated: 2023-12-14. Review status: criteria provided, single submitter. Criteria: Ambry Variant Classification Scheme 2023. Collection method: clinical testing. Allele origin: germline.

Labcorp Genetics (formerly Invitae), Labcorp
Classification: Uncertain significance. Last evaluated: 2022-02-22. Review status: criteria provided, single submitter. Criteria: Invitae Variant Classification Sherloc (09022015). Collection method: clinical testing. Allele origin: germline.
Comment: This sequence change replaces glycine, which is neutral and non-polar, with aspartic acid, which is acidic and polar, at codon 88 of the PTF1A protein (p.Gly88Asp). This variant is present in population databases (rs569569636, gnomAD 0.1%). This variant has not been reported in the literature in individuals affected with PTF1A-related conditions. ClinVar contains an entry for this variant (Variation ID: 299623). Algorithms developed to predict the effect of missense changes on protein structure and function output the following: SIFT: "Tolerated"; PolyPhen-2: "Not Available"; Align-GVGD: "Class C0". The aspartic acid amino acid residue is found in multiple mammalian species, which suggests that this missense change does not adversely affect protein function. In summary, the available evidence is currently insufficient to determine the role of this variant in disease. Therefore, it has been classified as a Variant of Uncertain Significance.

Illumina Laboratory Services, Illumina
Classification: Uncertain significance for Permanent neonatal diabetes mellitus-pancreatic and cerebellar agenesis syndrome. Last evaluated: 2018-01-12. Review status: criteria provided, single submitter. Criteria: ICSL Variant Classification Criteria 13 December 2019. Collection method: clinical testing. Allele origin: germline.

NM_178161.3(PTF1A):c.263G>A (p.Gly88Asp)

Gene: PTF1A (pancreas associated transcription factor 1a; plus strand). Cytogenetic location: 10p12.2.
Variant type: single nucleotide variant.
Coding change: c.263G>A on transcript NM_178161.3 (MANE Select); coding-DNA position 263, G replaced by A.
Protein change: p.Gly88Asp; replaces glycine 88 with aspartic acid.
Molecular consequence: missense variant.
Genome position (GRCh38, 1-based): chr10:23,192,793, G>A. VCF-style: chr10-23192793-G-A. GRCh37 (hg19) VCF-style: chr10-23481722-G-A.
Other names: short protein forms G88D.
Identifiers: ClinVar variation 299623 (VCV000299623.7), dbSNP rs569569636, ClinGen allele CA5438597.